The following is an entry in ClinVar:

ClinVar aggregate classification (germline): Likely benign. Review status: criteria provided, single submitter (1 of 4 stars). 2 submissions from 2 submitters: Likely benign (1). 1 of the submissions does not count toward it. Last evaluated 2025-07-21.

Conditions:
ITGA3-related disorder. Also called: ITGA3-related condition.

Allele frequency attached by ClinVar (database versions not stated): gnomAD exomes 0.00006; ExAC 0.00011; gnomAD 0.00027; ESP Exome Variant Server 0.00031; TOPMed 0.00034.

Submissions (2):

Labcorp Genetics (formerly Invitae), Labcorp
Classification: Likely benign. Last evaluated: 2025-07-21. Review status: criteria provided, single submitter. Criteria: Invitae Variant Classification Sherloc (09022015). Collection method: clinical testing. Allele origin: germline.

PreventionGenetics, part of Exact Sciences
Classification: Likely benign for ITGA3-related condition. Last evaluated: 2019-04-15. Review status: no assertion criteria provided. Collection method: clinical testing. Allele origin: germline. Not counted in ClinVar's aggregate classification.
Comment: This variant is classified as likely benign based on ACMG/AMP sequence variant interpretation guidelines (Richards et al. 2015 PMID: 25741868, with internal and published modifications).

NM_002204.4(ITGA3):c.2511C>T (p.Thr837=)

Gene: ITGA3 (integrin subunit alpha 3; plus strand). Cytogenetic location: 17q21.33.
Variant type: single nucleotide variant.
Coding change: c.2511C>T on transcript NM_002204.4 (MANE Select); coding-DNA position 2511, C replaced by T.
Protein change: p.Thr837=; no amino-acid change (threonine 837 retained).
Molecular consequence: synonymous variant.
Genome position (GRCh38, 1-based): chr17:50,079,186, C>T. VCF-style: chr17-50079186-C-T. GRCh37 (hg19) VCF-style: chr17-48156550-C-T.
Other names: c.2511C>T (NM_002204.3).
Identifiers: ClinVar variation 2188066 (VCV002188066.6), dbSNP rs143488590, ClinGen allele CA8641949.